The following is an entry in ClinVar:

ClinVar aggregate classification (germline): Uncertain significance (1 of 4 stars; one submission).

Submission:

GeneDx
Classification: Uncertain significance. Last evaluated: 2025-03-20. Review status: criteria provided, single submitter. Criteria: GeneDx Variant Classification Process June 2021. Collection method: clinical testing. Allele origin: germline. Affected: yes.
Comment: Not observed at significant frequency in large population cohorts (gnomAD); In silico analysis indicates that this missense variant does not alter protein structure/function; Has not been previously published as pathogenic or benign to our knowledge

NM_001318852.2(MAPK8IP3):c.59G>C (p.Cys20Ser)

Gene: MAPK8IP3 (mitogen-activated protein kinase 8 interacting protein 3; plus strand). Cytogenetic location: 16p13.3.
Variant type: single nucleotide variant.
Coding change: c.59G>C on transcript NM_001318852.2 (MANE Select); coding-DNA position 59, G replaced by C.
Protein change: p.Cys20Ser; replaces cysteine 20 with serine.
Molecular consequence: missense variant.
Genome position (GRCh38, 1-based): chr16:1,706,398, G>C. VCF-style: chr16-1706398-G-C. GRCh37 (hg19) VCF-style: chr16-1756399-G-C.
Other names: c.59G>C, p.Cys20Ser (NM_001040439.2, NM_015133.5); short protein forms C20S.
Identifiers: ClinVar variation 4086513 (VCV004086513.1).